The following is an entry in ClinVar:

ClinVar aggregate classification (germline): Likely benign. Review status: criteria provided, multiple submitters, no conflicts (2 of 4 stars). 3 submissions from 3 submitters: Likely benign (3). Last evaluated 2025-12-08.

Conditions:
Nephronophthisis. Also called: Juvenile Nephronophthisis. Identifiers: Orphanet 655, MedGen C0687120, MONDO:0019005, HP:0000090.
Jeune thoracic dystrophy. Also called: Jeune syndrome; Infantile thoracic dystrophy; Thoracic pelvic phalangeal dystrophy; Jeune's syndrome; Chondroectodermal dysplasia-like syndrome; Short-rib thoracic dysplasia. Identifiers: Orphanet 474, MedGen C0265275, MONDO:0018770.
TTC21B-related disorder. Also called: TTC21B-related condition; TTC21B-related disorders.
Nephronophthisis 12 (NPHP12). Identifiers: Orphanet 655, MedGen C3151186, MONDO:0013442, OMIM 613820.
Asphyxiating thoracic dystrophy 4 (SRTD4). Also called: SHORT-RIB THORACIC DYSPLASIA 4 WITH OR WITHOUT POLYDACTYLY; SHORT-RIB THORACIC DYSPLASIA 4. Identifiers: Orphanet 474, MedGen C3151185, MONDO:0013441, OMIM 613819.

Allele frequency attached by ClinVar (database versions not stated): gnomAD exomes below 0.00001 and 0.00002; ExAC 0.00004; TOPMed 0.00008; gnomAD 0.00009; 1000 Genomes Project 30x 0.00016; 1000 Genomes Project 0.00020; ESP Exome Variant Server 0.00023.
gnomAD v4.1: 21 of 1,610,048 alleles (0.0013%); highest among the groups gnomAD compares: African/African-American, 0.024%; no homozygotes.

Submissions (3):

PreventionGenetics, part of Exact Sciences
Classification: Likely benign for TTC21B-related condition. Last evaluated: 2025-12-08. Review status: criteria provided, single submitter. Criteria: ACMG Guidelines, 2015. Collection method: clinical testing. Allele origin: germline.
Comment: This variant is classified as likely benign based on ACMG/AMP sequence variant interpretation guidelines (Richards et al. 2015 PMID: 25741868, with internal and published modifications).

Labcorp Genetics (formerly Invitae), Labcorp
Classification: Likely benign for Jeune thoracic dystrophy; Nephronophthisis. Last evaluated: 2025-06-12. Review status: criteria provided, single submitter. Criteria: Invitae Variant Classification Sherloc (09022015). Collection method: clinical testing. Allele origin: germline.

Fulgent Genetics
Classification: Likely benign for Asphyxiating thoracic dystrophy 4; Nephronophthisis 12. Last evaluated: 2021-07-27. Review status: criteria provided, single submitter. Criteria: ACMG Guidelines, 2015. Collection method: clinical testing. Allele origin: unknown.

NM_024753.5(TTC21B):c.453T>G (p.Leu151=)

Genes: TTC21B (tetratricopeptide repeat domain 21B; minus strand), TTC21B-AS1 (TTC21B antisense RNA 1; plus strand). Cytogenetic location: 2q24.3.
Variant type: single nucleotide variant.
Coding change: c.453T>G on transcript NM_024753.5 (MANE Select); coding-DNA position 453, T replaced by G.
Protein change: p.Leu151=; no amino-acid change (leucine 151 retained).
Molecular consequence: synonymous variant.
Genome position (GRCh38, 1-based): chr2:165,943,318, A>C on the plus strand (T>G on the coding strand, the complement: TTC21B is on the minus strand). VCF-style: chr2-165943318-A-C. GRCh37 (hg19) VCF-style: chr2-166799828-A-C.
Identifiers: ClinVar variation 783105 (VCV000783105.11), dbSNP rs148935124, ClinGen allele CA1942430.